The following is an entry in ClinVar:

NM_006904.7(PRKDC):c.6917A>G (p.Asn2306Ser)

Gene: PRKDC (protein kinase, DNA-activated, catalytic subunit; minus strand). Cytogenetic location: 8q11.21.
Variant type: single nucleotide variant.
Coding change: c.6917A>G on transcript NM_006904.7 (MANE Select); coding-DNA position 6917, A replaced by G.
Protein change: p.Asn2306Ser; replaces asparagine 2306 with serine.
Molecular consequence: missense variant.
Genome position (GRCh38, 1-based): chr8:47,852,761, T>C on the plus strand (A>G on the coding strand, the complement: PRKDC is on the minus strand). VCF-style: chr8-47852761-T-C. GRCh37 (hg19) VCF-style: chr8-48765322-T-C.
Other names: c.6917A>G, p.Asn2306Ser (NM_001081640.2); short protein forms N2306S.
Identifiers: ClinVar variation 969007 (VCV000969007.8), dbSNP rs1437770723, ClinGen allele CA371158278.

ClinVar aggregate classification (germline): Uncertain significance (1 of 4 stars; one submission).

Conditions:
Severe combined immunodeficiency due to DNA-PKcs deficiency. Also called: IMMUNODEFICIENCY 26 WITH NEUROLOGIC ABNORMALITIES; Immunodeficiency 26 with or without neurologic abnormalities. Identifiers: Orphanet 317425, MedGen C4014833, MONDO:0014423, OMIM 615966.

Allele frequency attached by ClinVar (database versions not stated): TOPMed below 0.00001.

Submission:

Labcorp Genetics (formerly Invitae), Labcorp
Classification: Uncertain significance for Severe combined immunodeficiency due to DNA-PKcs deficiency. Last evaluated: 2019-11-12. Review status: criteria provided, single submitter. Criteria: Invitae Variant Classification Sherloc (09022015). Collection method: clinical testing. Allele origin: germline.
Comment: This sequence change replaces asparagine with serine at codon 2306 of the PRKDC protein (p.Asn2306Ser). The asparagine residue is highly conserved and there is a small physicochemical difference between asparagine and serine. In summary, the available evidence is currently insufficient to determine the role of this variant in disease. Therefore, it has been classified as a Variant of Uncertain Significance. Algorithms developed to predict the effect of missense changes on protein structure and function are either unavailable or do not agree on the potential impact of this missense change (SIFT: "Deleterious"; PolyPhen-2: "Not Available"; Align-GVGD: "Class C0"). This variant has not been reported in the literature in individuals with PRKDC-related conditions. This variant is not present in population databases (ExAC no frequency).